The following is an entry in ClinVar:

ClinVar aggregate classification (germline): Benign/Likely benign. Review status: criteria provided, multiple submitters, no conflicts (2 of 4 stars). 2 submissions from 2 submitters: Benign (1); Likely benign (1). Last evaluated 2026-01-01.

Allele frequency attached by ClinVar (database versions not stated): 1000 Genomes Project 30x 0.00031; 1000 Genomes Project 0.00040; ExAC 0.00167; gnomAD exomes 0.00188 and 0.00417; TOPMed 0.00243; gnomAD 0.00245 and 0.00254; ESP Exome Variant Server 0.00385.
gnomAD v4.1: 6,436 of 1,610,240 alleles (0.4%); highest among the groups gnomAD compares: Non-Finnish European, 0.51%; 20 homozygotes.

Submissions (2):

CeGaT Center for Human Genetics Tuebingen
Classification: Likely benign. Last evaluated: 2026-01-01. Review status: criteria provided, single submitter. Criteria: CeGaT Center For Human Genetics Tuebingen Variant Classification Criteria Version 2. Collection method: clinical testing. Allele origin: germline. Affected: yes. Observed: 1 variant allele.
Comment: PARD6A: BP4, BP7, BS2

Labcorp Genetics (formerly Invitae), Labcorp
Classification: Benign. Last evaluated: 2019-12-31. Review status: criteria provided, single submitter. Criteria: Invitae Variant Classification Sherloc (09022015). Collection method: clinical testing. Allele origin: germline.

NM_001037281.2(PARD6A):c.189T>C (p.Asp63=)

Gene: PARD6A (par-6 family cell polarity regulator alpha; plus strand). Cytogenetic location: 16q22.1.
Variant type: single nucleotide variant.
Coding change: c.189T>C on transcript NM_001037281.2 (MANE Select); coding-DNA position 189, T replaced by C.
Protein change: p.Asp63=; no amino-acid change (aspartic acid 63 retained).
Molecular consequence: synonymous variant.
Genome position (GRCh38, 1-based): chr16:67,661,580, T>C. VCF-style: chr16-67661580-T-C. GRCh37 (hg19) VCF-style: chr16-67695483-T-C.
Other names: c.189T>C, p.Asp63= (NM_016948.3).
Identifiers: ClinVar variation 710639 (VCV000710639.8), dbSNP rs139372052, ClinGen allele CA8115021.